The following is an entry in ClinVar:

NM_000059.4(BRCA2):c.8487+4T>C

Gene: BRCA2 (BRCA2 DNA repair associated; plus strand). Cytogenetic location: 13q13.1.
Variant type: single nucleotide variant.
Coding change: c.8487+4T>C on transcript NM_000059.4 (MANE Select); 4 bases into the intron after coding-DNA position 8487, T replaced by C.
Molecular consequence: intron variant.
Genome position (GRCh38, 1-based): chr13:32,370,561, T>C. VCF-style: chr13-32370561-T-C. GRCh37 (hg19) VCF-style: chr13-32944698-T-C.
Other names: IVS19+4T>C.
Identifiers: ClinVar variation 52604 (VCV000052604.16), dbSNP rs81002801, ClinGen allele CA025674.
Genomic context (GRCh38, chr13:32,370,561, plus strand): 5'-GATGGAGGAAATGTTGGTTGTGTTGATGTAATTATTCAAAGAGCATACCCTATACAGGTA[T>C]GATGTATTCTTGAAACTTACCATATATTTCTTTCTTTTGATACAATTAATTTGTTTGTTT-3'

ClinVar aggregate classification (germline): Conflicting classifications of pathogenicity. Review status: criteria provided, conflicting classifications (1 of 4 stars). 6 submissions from 6 submitters: Uncertain significance (3); Benign (1); Likely benign (1). 1 of the submissions does not count toward it. Last evaluated 2026-05-29.

Conditions:
Hereditary cancer-predisposing syndrome. Also called: Neoplastic Syndromes, Hereditary; Hereditary neoplastic syndrome; Tumor predisposition; Hereditary Cancer Syndrome. Identifiers: Orphanet 140162, MedGen C0027672, MeSH D009386, MONDO:0015356.
Hereditary breast ovarian cancer syndrome. Also called: Hereditary breast and/or ovarian cancer syndrome; Hereditary breast and ovarian cancer; Hereditary breast and ovarian cancer syndrome (HBOC); Breast and ovarian cancer; BRCA1- and BRCA2-Associated Hereditary Breast and Ovarian Cancer; Hereditary breast and ovarian cancer syndrome. Identifiers: Orphanet 145, MedGen C0677776, MeSH D061325, MONDO:0003582. Disease mechanism: loss of function.
Breast-ovarian cancer, familial, susceptibility to, 2 (BROVCA2). Also called: BRCA2 Hereditary Breast and Ovarian Cancer. Identifiers: Orphanet 145, MedGen C2675520, MONDO:0012933, OMIM 612555. Disease mechanism: loss of function.

Submissions (6):

Ambry Genetics
Classification: Benign for Hereditary cancer-predisposing syndrome. Last evaluated: 2026-05-29. Review status: criteria provided, single submitter. Criteria: Ambry Variant Classification Scheme 2023. Collection method: clinical testing. Allele origin: germline.

Quest Diagnostics Nichols Institute San Juan Capistrano
Classification: Uncertain significance. Last evaluated: 2025-08-05. Review status: criteria provided, single submitter. Criteria: Quest Diagnostics criteria. Collection method: clinical testing. Allele origin: unknown.
Comment: The BRCA2 c.8487+4T>C variant has not been reported in the published literature in individuals with BRCA2-related conditions, however it has been reported as likely benign in a multifactorial likelihood study (PMID: 31131967 (2019)). This variant has not been reported in large, multi-ethnic general populations (Genome Aggregation Database). Analysis of this variant using software algorithms for the prediction of the effect of nucleotide changes on splicing yielded predictions that this variant does not affect BRCA2 mRNA splicing. Based on the available information, we are unable to determine the clinical significance of this variant.

Labcorp Genetics (formerly Invitae), Labcorp
Classification: Uncertain significance for Hereditary breast ovarian cancer syndrome. Last evaluated: 2024-09-09. Review status: criteria provided, single submitter. Criteria: Invitae Variant Classification Sherloc (09022015). Collection method: clinical testing. Allele origin: germline.
Comment: This sequence change falls in intron 19 of the BRCA2 gene. It does not directly change the encoded amino acid sequence of the BRCA2 protein. It affects a nucleotide within the consensus splice site. This variant is not present in population databases (gnomAD no frequency). This variant has not been reported in the literature in individuals affected with BRCA2-related conditions. ClinVar contains an entry for this variant (Variation ID: 52604). Variants that disrupt the consensus splice site are a relatively common cause of aberrant splicing (PMID: 17576681, 9536098). Algorithms developed to predict the effect of sequence changes on RNA splicing suggest that this variant is not likely to affect RNA splicing. In summary, the available evidence is currently insufficient to determine the role of this variant in disease. Therefore, it has been classified as a Variant of Uncertain Significance.

GeneDx
Classification: Likely benign. Last evaluated: 2017-12-01. Review status: criteria provided, single submitter. Criteria: GeneDx Variant Classification (06012015). Collection method: clinical testing. Allele origin: germline. Affected: yes.
Comment: This variant is considered likely benign or benign based on one or more of the following criteria: it is a conservative change, it occurs at a poorly conserved position in the protein, it is predicted to be benign by multiple in silico algorithms, and/or has population frequency not consistent with disease.

Women's Health and Genetics/Laboratory Corporation of America, LabCorp
Classification: Uncertain significance. Last evaluated: 2016-05-16. Review status: criteria provided, single submitter. Criteria: LabCorp Variant Classification Summary - May 2015. Collection method: clinical testing. Allele origin: germline.
Comment: Variant summary: The BRCA2 c.8487+4T>C variant involves the alteration of a non-conserved intronic nucleotide with 5/5 splice prediction tools calculating no significant effect on splicing, although these predictions have yet to be functionally assessed. The variant of interest was not observed in controls (ExAC, 1000 Gs, or ESP), nor has it been, to our knowledge, reported in affected individuals via publications. A reputable database cites the variant as "uncertain significance." Therefore, taking all available lines of evidence into consideration, the variant of interest has been classified as a "Variant of Uncertain Significance (VUS)," until additional information becomes available.

Breast Cancer Information Core (BIC) (BRCA2)
Classification: Uncertain significance for Breast-ovarian cancer, familial 2. Review status: no assertion criteria provided. Collection method: clinical testing. Allele origin: germline. Affected: yes. Observed: 1 variant allele. Not counted in ClinVar's aggregate classification.

Literature cited by the submitters: PubMed 31131967 (cited by Quest Diagnostics Nichols Institute San Juan Capistrano); PubMed 17576681 (cited by Labcorp Genetics (formerly Invitae), Labcorp); PubMed 9536098 (cited by Labcorp Genetics (formerly Invitae), Labcorp).